The following is an entry in ClinVar:

NM_000199.5(SGSH):c.772C>T (p.Arg258Cys)

Gene: SGSH (N-sulfoglucosamine sulfohydrolase; minus strand). Cytogenetic location: 17q25.3.
Variant type: single nucleotide variant.
Coding change: c.772C>T on transcript NM_000199.5 (MANE Select); coding-DNA position 772, C replaced by T.
Protein change: p.Arg258Cys; replaces arginine 258 with cysteine.
Molecular consequence: missense variant. On other transcripts: non-coding transcript variant (1).
Genome position (GRCh38, 1-based): chr17:80,212,248, G>A on the plus strand (C>T on the coding strand, the complement: SGSH is on the minus strand). VCF-style: chr17-80212248-G-A. GRCh37 (hg19) VCF-style: chr17-78186047-G-A.
Other names: c.772C>T, p.Arg258Cys (NM_001352921.3, NM_001352922.2); short protein forms R258C.
Identifiers: ClinVar variation 2139962 (VCV002139962.1), dbSNP rs1314742501, ClinGen allele CA401360098.

ClinVar aggregate classification (germline): Uncertain significance (1 of 4 stars; one submission).

Conditions:
Mucopolysaccharidosis, MPS-III-A (MPS3A). Also called: HEPARAN SULFATE SULFATASE DEFICIENCY; SANFILIPPO SYNDROME A; SULFAMIDASE DEFICIENCY; MPS III A; Mucopolysaccharidosis, type IIIA; MUCOPOLYSACCHARIDOSIS, TYPE IIIA, ATTENUATED. Identifiers: Orphanet 581, Orphanet 79269, MedGen C0086647, MONDO:0009655, OMIM 252900.

Allele frequency attached by ClinVar (database versions not stated): gnomAD exomes 0.00002.
gnomAD v4.1: 33 of 1,611,198 alleles (0.002%); highest among the groups gnomAD compares: South Asian, 0.0033%; no homozygotes.

Submission:

Labcorp Genetics (formerly Invitae), Labcorp
Classification: Uncertain significance for Mucopolysaccharidosis, MPS-III-A. Last evaluated: 2022-06-02. Review status: criteria provided, single submitter. Criteria: Invitae Variant Classification Sherloc (09022015). Collection method: clinical testing. Allele origin: germline.
Comment: This sequence change replaces arginine, which is basic and polar, with cysteine, which is neutral and slightly polar, at codon 258 of the SGSH protein (p.Arg258Cys). The frequency data for this variant in the population databases is considered unreliable, as metrics indicate poor data quality at this position in the gnomAD database. This variant has not been reported in the literature in individuals affected with SGSH-related conditions. Algorithms developed to predict the effect of missense changes on protein structure and function are either unavailable or do not agree on the potential impact of this missense change (SIFT: "Deleterious"; PolyPhen-2: "Possibly Damaging"; Align-GVGD: "Class C15"). In summary, the available evidence is currently insufficient to determine the role of this variant in disease. Therefore, it has been classified as a Variant of Uncertain Significance.